The following is an entry in ClinVar:

ClinVar aggregate classification (germline): Uncertain significance (1 of 4 stars; one submission).

Conditions:
Hereditary cancer-predisposing syndrome. Also called: Neoplastic Syndromes, Hereditary; Tumor predisposition; Hereditary neoplastic syndrome; Hereditary Cancer Syndrome. Identifiers: Orphanet 140162, MedGen C0027672, MeSH D009386, MONDO:0015356.

Submission:

Ambry Genetics
Classification: Uncertain significance for Hereditary cancer-predisposing syndrome. Last evaluated: 2026-07-06. Review status: criteria provided, single submitter. Criteria: Ambry Variant Classification Scheme 2023. Collection method: clinical testing. Allele origin: germline.
Comment: The p.I266T variant (also known as c.797T>C), located in coding exon 8 of the SDHB gene, results from a T to C substitution at nucleotide position 797. The isoleucine at codon 266 is replaced by threonine, an amino acid with similar properties. This amino acid position is conserved. In addition, this alteration is predicted to be deleterious by in silico analysis. Based on the available evidence, the clinical significance of this variant remains unclear.

NM_003000.3(SDHB):c.797T>C (p.Ile266Thr)

Gene: SDHB (succinate dehydrogenase complex iron sulfur subunit B; minus strand). Cytogenetic location: 1p36.13.
Variant type: single nucleotide variant.
Coding change: c.797T>C on transcript NM_003000.3 (MANE Select); coding-DNA position 797, T replaced by C.
Protein change: p.Ile266Thr; replaces isoleucine 266 with threonine.
Molecular consequence: missense variant.
Genome position (GRCh38, 1-based): chr1:17,018,927, A>G on the plus strand (T>C on the coding strand, the complement: SDHB is on the minus strand). VCF-style: chr1-17018927-A-G. GRCh37 (hg19) VCF-style: chr1-17345422-A-G.
Other names: c.743T>C, p.Ile248Thr (NM_001407361.1); short protein forms I248T, I266T.
Identifiers: ClinVar variation 5029269 (VCV005029269.1).